The following is an entry in ClinVar:

NM_003560.4(PLA2G6):c.610-1G>T

Gene: PLA2G6 (phospholipase A2 group VI; minus strand). Cytogenetic location: 22q13.1.
Variant type: single nucleotide variant.
Coding change: c.610-1G>T on transcript NM_003560.4 (MANE Select); the canonical splice acceptor site of the intron before coding-DNA position 610, G replaced by T.
Molecular consequence: splice acceptor variant. On other transcripts: intron variant (1).
Genome position (GRCh38, 1-based): chr22:38,140,170, C>A on the plus strand (G>T on the coding strand, the complement: PLA2G6 is on the minus strand). VCF-style: chr22-38140170-C-A. GRCh37 (hg19) VCF-style: chr22-38536177-C-A.
Other names: c.119+2935G>T (NM_001349868.2); c.610-1G>T (NM_001349866.2, NM_001199562.3, NM_001349865.2 and 2 more transcripts); c.76-1G>T (NM_001349869.2, NM_001349867.2).
Identifiers: ClinVar variation 929943 (VCV000929943.7), dbSNP rs1223788672, ClinGen allele CA411531642.

ClinVar aggregate classification (germline): Pathogenic/Likely pathogenic. Review status: criteria provided, multiple submitters, no conflicts (2 of 4 stars). 3 submissions from 3 submitters: Pathogenic (1); Likely pathogenic (2). Last evaluated 2024-08-29.

Conditions:
Infantile neuroaxonal dystrophy (NBIA2A). Also called: NEURODEGENERATION WITH BRAIN IRON ACCUMULATION 2A; SEITELBERGER DISEASE; Infantile neuroaxonal dystrophy 1. Identifiers: Orphanet 35069, MedGen C0270724, MONDO:0024457, OMIM 256600.
PLA2G6-associated neurodegeneration (PLAN). Also called: phospholipase A2-associated neurodegeneration. Identifiers: Orphanet 329303, MedGen CN204472, MONDO:0017998.
Autosomal recessive Parkinson disease 14. Also called: DYSTONIA-PARKINSONISM, ADULT-ONSET; PARKINSON DISEASE 14. Identifiers: Orphanet 199351, MedGen C2751842, MONDO:0013060, OMIM 612953.
Neurodegeneration with brain iron accumulation 2B. Also called: aNAD; atypical Neuroaxonal Dystrophy (aNAD); NEUROAXONAL DYSTROPHY, ATYPICAL; NEURODEGENERATION WITH BRAIN IRON ACCUMULATION, PLA2G6-RELATED. Identifiers: Orphanet 35069, MedGen C1857747, MONDO:0012444, OMIM 610217.

gnomAD v4.1: 2 of 1,613,904 alleles (0.00012%); highest among the groups gnomAD compares: Non-Finnish European, 0.00017%; no homozygotes.

Submissions (3):

Labcorp Genetics (formerly Invitae), Labcorp
Classification: Pathogenic for Infantile neuroaxonal dystrophy. Last evaluated: 2024-08-29. Review status: criteria provided, single submitter. Criteria: Invitae Variant Classification Sherloc (09022015). Collection method: clinical testing. Allele origin: germline.
Comment: This sequence change affects an acceptor splice site in intron 4 of the PLA2G6 gene. It is expected to disrupt RNA splicing. Variants that disrupt the donor or acceptor splice site typically lead to a loss of protein function (PMID: 16199547), and loss-of-function variants in PLA2G6 are known to be pathogenic (PMID: 16783378, 18570303, 18799783, 22213678). This variant is not present in population databases (gnomAD no frequency). Disruption of this splice site has been observed in individual(s) with PLA2G6-related conditions (PMID: 20619503, 27709683). In at least one individual the data is consistent with being in trans (on the opposite chromosome) from a pathogenic variant. It has also been observed to segregate with disease in related individuals. ClinVar contains an entry for this variant (Variation ID: 929943). Algorithms developed to predict the effect of sequence changes on RNA splicing suggest that this variant may disrupt the consensus splice site. For these reasons, this variant has been classified as Pathogenic.

Fulgent Genetics
Classification: Likely pathogenic for Infantile neuroaxonal dystrophy; Neurodegeneration with brain iron accumulation 2B; Autosomal recessive Parkinson disease 14. Last evaluated: 2024-04-09. Review status: criteria provided, single submitter. Criteria: ACMG Guidelines, 2015. Collection method: clinical testing. Allele origin: germline.

Laboratory for Molecular Medicine, Mass General Brigham Personalized Medicine
Classification: Likely pathogenic for PLA2G6-associated neurodegeneration. Last evaluated: 2019-03-14. Review status: criteria provided, single submitter. Criteria: LMM Criteria. Collection method: clinical testing. Allele origin: germline. Inheritance: Autosomal recessive inheritance. Observed: 1 variant allele.
Comment: The c.610-1G>T variant in PLA2G6 has been reported in the compound heterozygous state in 1 individual with infantile neuroaxonal dystrophy (Paisan-Ruiz 2012) and 2 siblings with early-onset parkinsonism, cortical atrophy, and brain iron accumulation (Klein 2016). This variant was absent from large population studies. The c.610-1G>T variant occurs within the canonical splice site (+/- 1,2) and is predicted to cause altered splicing leading to an abnormal or absent protein. Loss of function of the PLA2G6 gene is an established disease mechanism in autosomal recessive PLA2G6-associated disorders. In summary, although additional studies are required to fully establish its clinical significance, this variant meets criteria to be classified as likely pathogenic for autosomal recessive PLA2G6-associated neurodegeneration. ACMG/AMP Criteria applied: PVS1, PM2, PP1, PM3_Supporting.

Literature cited by the submitters: PubMed 16199547 (cited by Labcorp Genetics (formerly Invitae), Labcorp); PubMed 16783378 (cited by Labcorp Genetics (formerly Invitae), Labcorp); PubMed 18570303 (cited by Labcorp Genetics (formerly Invitae), Labcorp); PubMed 18799783 (cited by Labcorp Genetics (formerly Invitae), Labcorp); PubMed 22213678 (cited by Labcorp Genetics (formerly Invitae), Labcorp); PubMed 20619503 (cited by Labcorp Genetics (formerly Invitae), Labcorp and Laboratory for Molecular Medicine, Mass General Brigham Personalized Medicine); PubMed 27709683 (cited by Labcorp Genetics (formerly Invitae), Labcorp and Laboratory for Molecular Medicine, Mass General Brigham Personalized Medicine); PubMed 29124790 (cited by Laboratory for Molecular Medicine, Mass General Brigham Personalized Medicine).